The following is an entry in ClinVar:

NM_018896.5(CACNA1G):c.5941A>G (p.Met1981Val)

Gene: CACNA1G (calcium voltage-gated channel subunit alpha1 G; plus strand). Cytogenetic location: 17q21.33.
Variant type: single nucleotide variant.
Coding change: c.5941A>G on transcript NM_018896.5 (MANE Select); coding-DNA position 5941, A replaced by G.
Protein change: p.Met1981Val; replaces methionine 1981 with valine.
Molecular consequence: missense variant. On other transcripts: intron variant (24).
Genome position (GRCh38, 1-based): chr17:50,621,675, A>G. VCF-style: chr17-50621675-A-G. GRCh37 (hg19) VCF-style: chr17-48699036-A-G.
Other names: c.5680-2232A>G (NM_198376.3, NM_001256329.2, NM_198387.3); c.5713-2232A>G (NM_198382.3); c.5659-2232A>G (NM_198388.3); c.5611-2232A>G (NM_001256332.2); c.5908A>G, p.Met1970Val (NM_198377.3); c.5728A>G, p.Met1910Val (NM_198383.3); c.5839A>G, p.Met1947Val (NM_198396.3); c.5803-2232A>G (NM_001256325.2); and 15 more; short protein forms M1910V, M1947V, M1970V, M1981V.
Identifiers: ClinVar variation 2575602 (VCV002575602.1), dbSNP rs1284091937, ClinGen allele CA400267914.

ClinVar aggregate classification (germline): Uncertain significance (1 of 4 stars; one submission).

Allele frequency attached by ClinVar (database versions not stated): gnomAD exomes below 0.00001.

Submission:

GeneDx
Classification: Uncertain significance. Last evaluated: 2023-02-08. Review status: criteria provided, single submitter. Criteria: GeneDx Variant Classification Process June 2021. Collection method: clinical testing. Allele origin: germline. Affected: yes.
Comment: Not observed at significant frequency in large population cohorts (gnomAD); In silico analysis supports that this missense variant does not alter protein structure/function; Has not been previously published as pathogenic or benign to our knowledge